The following is an entry in ClinVar:

ClinVar aggregate classification (germline): Uncertain significance (1 of 4 stars; one submission).

Conditions:
Tuberous sclerosis 2 (TSC2). Identifiers: Orphanet 805, MedGen C1860707, MONDO:0013199, OMIM 613254.

Submission:

Labcorp Genetics (formerly Invitae), Labcorp
Classification: Uncertain significance for Tuberous sclerosis 2. Last evaluated: 2023-06-22. Review status: criteria provided, single submitter. Criteria: Invitae Variant Classification Sherloc (09022015). Collection method: clinical testing. Allele origin: germline.
Comment: In summary, the available evidence is currently insufficient to determine the role of this variant in disease. Therefore, it has been classified as a Variant of Uncertain Significance. Advanced modeling of protein sequence and biophysical properties (such as structural, functional, and spatial information, amino acid conservation, physicochemical variation, residue mobility, and thermodynamic stability) performed at Invitae indicates that this missense variant is not expected to disrupt TSC2 protein function. This variant has not been reported in the literature in individuals affected with TSC2-related conditions. This variant is not present in population databases (gnomAD no frequency). This sequence change replaces threonine, which is neutral and polar, with serine, which is neutral and polar, at codon 154 of the TSC2 protein (p.Thr154Ser).

NM_000548.5(TSC2):c.461C>G (p.Thr154Ser)

Gene: TSC2 (TSC complex subunit 2; plus strand). Cytogenetic location: 16p13.3.
Variant type: single nucleotide variant.
Coding change: c.461C>G on transcript NM_000548.5 (MANE Select); coding-DNA position 461, C replaced by G.
Protein change: p.Thr154Ser; replaces threonine 154 with serine.
Molecular consequence: missense variant. On other transcripts: 5 prime UTR variant (13), non-coding transcript variant (5), intron variant (6).
Genome position (GRCh38, 1-based): chr16:2,054,420, C>G. VCF-style: chr16-2054420-C-G. GRCh37 (hg19) VCF-style: chr16-2104421-C-G.
Other names: c.461C>G, p.Thr154Ser (NM_001077183.3, NM_001114382.3, NM_001363528.2 and 8 more transcripts); c.350C>G, p.Thr117Ser (NM_001318827.2, NM_001406670.1, NM_001406678.1); c.314C>G, p.Thr105Ser (NM_001318829.2, NM_001406675.1, NM_001406676.1 and 1 more transcripts); c.494C>G, p.Thr165Ser (NM_001318832.2); c.551C>G, p.Thr184Ser (NM_001406667.1, NM_001406668.1); c.404C>G, p.Thr135Ser (NM_001406677.1); c.-356C>G (NM_001406680.1, NM_001406683.1, NM_001406687.1); c.16C>G, p.Pro6Ala (NM_001406681.1); and 6 more; short protein forms T117S, T184S, P6A, T105S, T135S, T154S, T165S.
Identifiers: ClinVar variation 2723928 (VCV002723928.3), dbSNP rs1215092245, ClinGen allele CA394308482.